The following is an entry in ClinVar:

Conditions:
Long QT syndrome 5 (LQT5). Identifiers: Orphanet 101016, Orphanet 768, MedGen C1867904, MONDO:0013372, OMIM 613695.

Submission:

Roden Lab, Vanderbilt University Medical Center
No classification provided (evidence only). Condition: Long QT syndrome 5. Review status: no classification provided. Collection method: in vitro. Allele origin: not applicable. Functional consequence: Effect on ion channel function.
ClinVar note: "not provided" was previously submitted as the classification for the variant. However, the classification appeared to be based only on an observation of functional data so it was converted to no classification on 2025-07-30.

NM_000219.6(KCNE1):c.247G>T (p.Glu83Ter)

Gene: KCNE1 (potassium voltage-gated channel subfamily E regulatory subunit 1; minus strand). Cytogenetic location: 21q22.12.
Variant type: single nucleotide variant.
Coding change: c.247G>T on transcript NM_000219.6 (MANE Select); coding-DNA position 247, G replaced by T.
Protein change: p.Glu83Ter; replaces glutamic acid 83 with a stop codon.
Molecular consequence: nonsense.
Genome position (GRCh38, 1-based): chr21:34,449,388, C>A on the plus strand (G>T on the coding strand, the complement: KCNE1 is on the minus strand). VCF-style: chr21-34449388-C-A. GRCh37 (hg19) VCF-style: chr21-35821686-C-A.
Other names: c.247G>T, p.Glu83Ter (NM_001127668.4, NM_001127669.4, NM_001127670.4 and 4 more transcripts); short protein forms E83*.
Identifiers: ClinVar variation 3374430 (VCV003374430.2).